The following is an entry in ClinVar:

NM_001365536.1(SCN9A):c.4561A>G (p.Ile1521Val)

Genes: SCN9A (sodium voltage-gated channel alpha subunit 9; minus strand), SCN1A-AS1 (SCN1A and SCN9A antisense RNA 1; plus strand). Cytogenetic location: 2q24.3.
Variant type: single nucleotide variant.
Coding change: c.4561A>G on transcript NM_001365536.1 (MANE Select); coding-DNA position 4561, A replaced by G.
Protein change: p.Ile1521Val; replaces isoleucine 1521 with valine.
Molecular consequence: missense variant.
Genome position (GRCh38, 1-based): chr2:166,204,168, T>C on the plus strand (A>G on the coding strand, the complement: SCN9A is on the minus strand). VCF-style: chr2-166204168-T-C. GRCh37 (hg19) VCF-style: chr2-167060678-T-C.
Other names: p.Ile1510Val; c.4528A>G, p.Ile1510Val (NM_002977.4); short protein forms I1510V, I1521V.
Identifiers: ClinVar variation 538443 (VCV000538443.13), dbSNP rs1301426130, ClinGen allele CA349057892.

ClinVar aggregate classification (germline): Uncertain significance. Review status: criteria provided, multiple submitters, no conflicts (2 of 4 stars). 3 submissions from 3 submitters: Uncertain significance (3). Last evaluated 2026-09-11.

Conditions:
Generalized epilepsy with febrile seizures plus, type 7 (GEFSP7). Also called: GEFS+, TYPE 7. Identifiers: Orphanet 36387, MedGen C2751778, MONDO:0013470, OMIM 613863.
Neuropathy, hereditary sensory and autonomic, type 2A (HSAN2A). Also called: ACROOSTEOLYSIS, GIACCAI TYPE; ACROOSTEOLYSIS, NEUROGENIC; WNK1-Related HSAN2 (HSAN2A); HSAN IIA; MORVAN DISEASE; NEUROPATHY, CONGENITAL SENSORY. Identifiers: Orphanet 970, MedGen C2752089, MONDO:0024309, OMIM 201300.
SCN9A-related disorder. Also called: SCN9A-related disorders; SCN9A-related condition.

Allele frequency attached by ClinVar (database versions not stated): gnomAD exomes below 0.00001.

Submissions (3):

PreventionGenetics, part of Exact Sciences
Classification: Uncertain significance for SCN9A-related condition. Last evaluated: 2026-09-11. Review status: criteria provided, single submitter. Criteria: ACMG Guidelines, 2015. Collection method: clinical testing. Allele origin: germline.
Comment: The SCN9A c.4528A>G variant is predicted to result in the amino acid substitution p.Ile1510Val. To our knowledge, this variant has not been reported in the literature. This variant is reported in 0.0029% of alleles in individuals of Latino descent in gnomAD. At this time, the clinical significance of this variant is uncertain due to the absence of conclusive functional and genetic evidence.

Labcorp Genetics (formerly Invitae), Labcorp
Classification: Uncertain significance for Neuropathy, hereditary sensory and autonomic, type 2A; Generalized epilepsy with febrile seizures plus, type 7. Last evaluated: 2024-10-22. Review status: criteria provided, single submitter. Criteria: Invitae Variant Classification Sherloc (09022015). Collection method: clinical testing. Allele origin: germline.
Comment: This sequence change replaces isoleucine, which is neutral and non-polar, with valine, which is neutral and non-polar, at codon 1510 of the SCN9A protein (p.Ile1510Val). This variant is present in population databases (no rsID available, gnomAD 0.003%). This variant has not been reported in the literature in individuals affected with SCN9A-related conditions. ClinVar contains an entry for this variant (Variation ID: 538443). Invitae Evidence Modeling of protein sequence and biophysical properties (such as structural, functional, and spatial information, amino acid conservation, physicochemical variation, residue mobility, and thermodynamic stability) indicates that this missense variant is not expected to disrupt SCN9A protein function with a negative predictive value of 95%. In summary, the available evidence is currently insufficient to determine the role of this variant in disease. Therefore, it has been classified as a Variant of Uncertain Significance.

Mayo Clinic Laboratories, Mayo Clinic
Classification: Uncertain significance. Last evaluated: 2024-06-04. Review status: criteria provided, single submitter. Criteria: ACMG Guidelines, 2015. Collection method: clinical testing. Allele origin: germline. Observed: 1 variant allele.